The following is an entry in ClinVar:

NM_001270974.2(HYDIN):c.9578T>C (p.Ile3193Thr)

Gene: HYDIN (HYDIN axonemal central pair apparatus protein; minus strand). Cytogenetic location: 16q22.2.
Variant type: single nucleotide variant.
Coding change: c.9578T>C on transcript NM_001270974.2 (MANE Select); coding-DNA position 9578, T replaced by C.
Protein change: p.Ile3193Thr; replaces isoleucine 3193 with threonine.
Molecular consequence: missense variant.
Genome position (GRCh38, 1-based): chr16:70,891,724, A>G on the plus strand (T>C on the coding strand, the complement: HYDIN is on the minus strand). VCF-style: chr16-70891724-A-G. GRCh37 (hg19) VCF-style: chr16-70925627-A-G.
Other names: short protein forms I3193T.
Identifiers: ClinVar variation 4846815 (VCV004846815.1).
Genomic context (GRCh38, chr16:70,891,724, plus strand): 5'-GGGCTCTCCCCTGTCAGCTTATAAAGGGCGAACTTGAAGTCAGTAACACCTTGATTTTCT[A>G]TGGTGAAGGTGGTGCTTTTACGAGTGCCACAGATCAAAGCTCCAAAGTTGATGACAGAGG-3'
Protein context (NP_001257903.1, residues 3183-3203): CGTRKSTTFT[Ile3193Thr]ENQGVTDFKF

ClinVar aggregate classification (germline): Uncertain significance (1 of 4 stars; one submission).

Conditions:
Primary ciliary dyskinesia 5. Also called: CILIARY DYSKINESIA, PRIMARY, 5, WITHOUT SITUS INVERSUS. Identifiers: Orphanet 244, MedGen C1837615, MONDO:0012088, OMIM 608647.

Submission:

Laboratorio de Genetica e Diagnostico Molecular, Hospital Israelita Albert Einstein
Classification: Uncertain significance for Primary ciliary dyskinesia 5. Last evaluated: 2025-07-04. Review status: criteria provided, single submitter. Criteria: ACMG Guidelines, 2015. Collection method: clinical testing. Allele origin: germline. Affected: yes.
Comment: ACMG classification criteria: PM2 supporting, PP2 supporting